The following is an entry in ClinVar:

ClinVar aggregate classification (germline): Uncertain significance (1 of 4 stars; one submission).

Conditions:
Hereditary cancer-predisposing syndrome. Also called: Tumor predisposition; Hereditary neoplastic syndrome; Hereditary Cancer Syndrome; Neoplastic Syndromes, Hereditary. Identifiers: Orphanet 140162, MedGen C0027672, MeSH D009386, MONDO:0015356.

Submission:

Ambry Genetics
Classification: Uncertain significance for Hereditary cancer-predisposing syndrome. Last evaluated: 2024-02-02. Review status: criteria provided, single submitter. Criteria: Ambry Variant Classification Scheme 2023. Collection method: clinical testing. Allele origin: germline.
Comment: The p.G919A variant (also known as c.2756G>C), located in coding exon 16 of the ALK gene, results from a G to C substitution at nucleotide position 2756. The glycine at codon 919 is replaced by alanine, an amino acid with similar properties. This amino acid position is conserved. In addition, the in silico prediction for this alteration is inconclusive. Based on the available evidence, the clinical significance of this alteration remains unclear.

NM_004304.5(ALK):c.2756G>C (p.Gly919Ala)

Gene: ALK (ALK receptor tyrosine kinase; minus strand). Cytogenetic location: 2p23.2.
Variant type: single nucleotide variant.
Coding change: c.2756G>C on transcript NM_004304.5 (MANE Select); coding-DNA position 2756, G replaced by C.
Protein change: p.Gly919Ala; replaces glycine 919 with alanine.
Molecular consequence: missense variant.
Genome position (GRCh38, 1-based): chr2:29,228,943, C>G on the plus strand (G>C on the coding strand, the complement: ALK is on the minus strand). VCF-style: chr2-29228943-C-G. GRCh37 (hg19) VCF-style: chr2-29451809-C-G.
Other names: short protein forms G919A.
Identifiers: ClinVar variation 3223846 (VCV003223846.1), dbSNP rs2465977902, ClinGen allele CA346469662.